The following is an entry in ClinVar:

ClinVar aggregate classification (germline): Likely benign. Review status: criteria provided, multiple submitters, no conflicts (2 of 4 stars). 2 submissions from 2 submitters: Likely benign (2). Last evaluated 2026-07-01.

Submissions (2):

CeGaT Center for Human Genetics Tuebingen
Classification: Likely benign. Last evaluated: 2026-07-01. Review status: criteria provided, single submitter. Criteria: CeGaT Center For Human Genetics Tuebingen Variant Classification Criteria Version 2. Collection method: clinical testing. Allele origin: germline. Affected: yes. Observed: 1 variant allele.
Comment: KMT2C: BP4

Labcorp Genetics (formerly Invitae), Labcorp
Classification: Likely benign. Last evaluated: 2026-01-27. Review status: criteria provided, single submitter. Criteria: Invitae Variant Classification Sherloc (09022015). Collection method: clinical testing. Allele origin: germline.

NM_170606.3(KMT2C):c.7443-6_7443-5insTTTTTAA

Gene: KMT2C (lysine methyltransferase 2C; minus strand). Cytogenetic location: 7q36.1.
Variant type: Insertion.
Coding change: c.7443-6_7443-5insTTTTTAA on transcript NM_170606.3 (MANE Select); 6 bases into the intron before coding-DNA position 7443 through 5 bases into the intron before coding-DNA position 7443, TTTTTAA inserted.
Molecular consequence: intron variant.
Genome position: GRCh38 VCF-style: chr7-152178015-T-TTTAAAAA. GRCh37 (hg19) VCF-style: chr7-151875100-T-TTTAAAAA.
Identifiers: ClinVar variation 4736973 (VCV004736973.2).